The following is an entry in ClinVar:

NM_002693.3(POLG):c.1523C>G (p.Ala508Gly)

Gene: POLG (DNA polymerase gamma, catalytic subunit; minus strand). Cytogenetic location: 15q26.1.
Variant type: single nucleotide variant.
Coding change: c.1523C>G on transcript NM_002693.3 (MANE Select); coding-DNA position 1523, C replaced by G.
Protein change: p.Ala508Gly; replaces alanine 508 with glycine.
Molecular consequence: missense variant.
Genome position (GRCh38, 1-based): chr15:89,326,974, G>C on the plus strand (C>G on the coding strand, the complement: POLG is on the minus strand). VCF-style: chr15-89326974-G-C. GRCh37 (hg19) VCF-style: chr15-89870205-G-C.
Other names: c.1523C>G, p.Ala508Gly (NM_001126131.2); short protein forms A508G.
Identifiers: ClinVar variation 3691738 (VCV003691738.2).
Genomic context (GRCh38, chr15:89,326,974, plus strand): 5'-TCCTGATCCATGGGATCACCAGGGGCCCCAGCCCCCTCGATGGGCAACTTGCTGGCTGTG[G>C]CTGGTTCCTTCTTCACCTTCTTAGCTTTCTTCTGCTTAAATTCTTGCAGGTCCCACTCCA-3'
Protein context (NP_002684.1, residues 498-518): KKAKKVKKEP[Ala508Gly]TASKLPIEGA

ClinVar aggregate classification (germline): Uncertain significance (1 of 4 stars; one submission).

Conditions:
Progressive sclerosing poliodystrophy (MTDPS4A). Also called: ALPERS PROGRESSIVE INFANTILE POLIODYSTROPHY; NEURONAL DEGENERATION OF CHILDHOOD WITH LIVER DISEASE, PROGRESSIVE; Alpers Syndrome; ALPERS DIFFUSE DEGENERATION OF CEREBRAL GRAY MATTER WITH HEPATIC CIRRHOSIS; Alpers-Huttenlocher Syndrome; Mitochondrial DNA depletion syndrome 4A (Alpers type). Identifiers: Orphanet 726, MedGen C0205710, MONDO:0008758, OMIM 203700.

gnomAD v4.1: 1 of 1,614,200 alleles (0.000062%); no homozygotes.

Submission:

Labcorp Genetics (formerly Invitae), Labcorp
Classification: Uncertain significance for Progressive sclerosing poliodystrophy. Last evaluated: 2024-07-16. Review status: criteria provided, single submitter. Criteria: Invitae Variant Classification Sherloc (09022015). Collection method: clinical testing. Allele origin: germline.
Comment: This sequence change replaces alanine, which is neutral and non-polar, with glycine, which is neutral and non-polar, at codon 508 of the POLG protein (p.Ala508Gly). This variant is present in population databases (rs777868408, gnomAD 0.0009%). This variant has not been reported in the literature in individuals affected with POLG-related conditions. Advanced modeling of protein sequence and biophysical properties (such as structural, functional, and spatial information, amino acid conservation, physicochemical variation, residue mobility, and thermodynamic stability) performed at Invitae indicates that this missense variant is not expected to disrupt POLG protein function with a negative predictive value of 95%. In summary, the available evidence is currently insufficient to determine the role of this variant in disease. Therefore, it has been classified as a Variant of Uncertain Significance.